The following is an entry in ClinVar:

NM_001291303.3(FAT4):c.1738C>G (p.Pro580Ala)

Gene: FAT4 (FAT atypical cadherin 4; plus strand). Cytogenetic location: 4q28.1.
Variant type: single nucleotide variant.
Coding change: c.1738C>G on transcript NM_001291303.3 (MANE Select); coding-DNA position 1738, C replaced by G.
Protein change: p.Pro580Ala; replaces proline 580 with alanine.
Molecular consequence: missense variant.
Genome position (GRCh38, 1-based): chr4:125,318,149, C>G. VCF-style: chr4-125318149-C-G. GRCh37 (hg19) VCF-style: chr4-126239304-C-G.
Other names: c.1738C>G, p.Pro580Ala (NM_001291285.3, NM_024582.6); short protein forms P580A.
Identifiers: ClinVar variation 1442554 (VCV001442554.6), dbSNP rs1220275998, ClinGen allele CA358118534.

ClinVar aggregate classification (germline): Uncertain significance (1 of 4 stars; one submission).

gnomAD v4.1: 1 of 1,614,140 alleles (0.000062%); highest among the groups gnomAD compares: Admixed American, 0.0017%; no homozygotes.

Submission:

Labcorp Genetics (formerly Invitae), Labcorp
Classification: Uncertain significance. Last evaluated: 2021-04-05. Review status: criteria provided, single submitter. Criteria: Invitae Variant Classification Sherloc (09022015). Collection method: clinical testing. Allele origin: germline.
Comment: In summary, the available evidence is currently insufficient to determine the role of this variant in disease. Therefore, it has been classified as a Variant of Uncertain Significance. Advanced modeling of protein sequence and biophysical properties (such as structural, functional, and spatial information, amino acid conservation, physicochemical variation, residue mobility, and thermodynamic stability) performed at Invitae indicates that this missense variant is expected to disrupt FAT4 protein function. This variant has not been reported in the literature in individuals with FAT4-related conditions. This variant is not present in population databases (ExAC no frequency). This sequence change replaces proline with alanine at codon 580 of the FAT4 protein (p.Pro580Ala). The proline residue is highly conserved and there is a small physicochemical difference between proline and alanine.